The following is an entry in ClinVar:

NM_000059.4(BRCA2):c.6269del (p.His2090fs)

Gene: BRCA2 (BRCA2 DNA repair associated; plus strand). Cytogenetic location: 13q13.1.
Variant type: Deletion.
Coding change: c.6269del on transcript NM_000059.4 (MANE Select); coding-DNA position 6269, one base deleted (A; older notation c.6269delA).
Protein change: p.His2090fs; shifts the reading frame from histidine 2090.
Molecular consequence: frameshift variant.
Genome position (GRCh38, 1-based): chr13:32,340,624, A deleted. VCF-style (leftmost placement, unchanged base first): chr13-32340623-CA-C. GRCh37 (hg19) VCF-style: chr13-32914760-CA-C.
Other names: short protein forms H2090fs.
Identifiers: ClinVar variation 982973 (VCV000982973.3), dbSNP rs1375058950, ClinGen allele CA609453797.

ClinVar aggregate classification (germline): Pathogenic. Review status: criteria provided, multiple submitters, no conflicts (2 of 4 stars). 2 submissions from 2 submitters: Pathogenic (2). Last evaluated 2019-01-01.

Conditions:
Hereditary cancer-predisposing syndrome. Also called: Hereditary Cancer Syndrome; Neoplastic Syndromes, Hereditary; Tumor predisposition; Hereditary neoplastic syndrome. Identifiers: Orphanet 140162, MedGen C0027672, MeSH D009386, MONDO:0015356.
Familial cancer of breast. Also called: BREAST CANCER, FAMILIAL; Hereditary breast cancer; hereditary breast carcinoma. Identifiers: Orphanet 227535, MedGen C0346153, MONDO:0016419, OMIM 114480. Disease mechanism: loss of function.

Allele frequency attached by ClinVar (database versions not stated): gnomAD exomes below 0.00001.

Submissions (2):

Institute of Human Genetics, University of Leipzig Medical Center
Classification: Pathogenic for Familial cancer of breast. Last evaluated: 2019-01-01. Review status: criteria provided, single submitter. Criteria: ACMG Guidelines, 2015. Collection method: clinical testing. Allele origin: unknown. Affected: yes.

Hauer Lab, Department Of Pediatric Oncology, Technical University Munich
Classification: Pathogenic for Hereditary cancer-predisposing syndrome. Review status: criteria provided, single submitter. Criteria: ACMG Guidelines, 2015. Collection method: research. Allele origin: germline. Inheritance: Codominant. Affected: yes. Observed: 1 variant allele.
Comment: ACMG/AMP, PVS1, PM2, PP5

Literature cited by the submitters: PubMed 37149759 (cited by Hauer Lab, Department Of Pediatric Oncology, Technical University Munich).